The following is an entry in ClinVar:

NM_006269.2(RP1):c.5740T>C (p.Cys1914Arg)

Genes: RP1 (RP1 axonemal microtubule associated; plus strand), LOC126860392 (CDK7 strongly-dependent group 2 enhancer GRCh37_chr8:55541319-55542518; plus strand). Cytogenetic location: 8q12.1.
Variant type: single nucleotide variant.
Coding change: c.5740T>C on transcript NM_006269.2 (MANE Select); coding-DNA position 5740, T replaced by C.
Protein change: p.Cys1914Arg; replaces cysteine 1914 with arginine.
Molecular consequence: missense variant. On other transcripts: intron variant (1).
Genome position (GRCh38, 1-based): chr8:54,629,622, T>C. VCF-style: chr8-54629622-T-C. GRCh37 (hg19) VCF-style: chr8-55542182-T-C.
Other names: c.787+7334T>C (NM_001375654.1); short protein forms C1914R.
Identifiers: ClinVar variation 956252 (VCV000956252.10), dbSNP rs367852198, ClinGen allele CA4752121.

ClinVar aggregate classification (germline): Uncertain significance (1 of 4 stars; one submission).

Allele frequency attached by ClinVar (database versions not stated): ExAC 0.00001; gnomAD 0.00001; TOPMed 0.00001; ESP Exome Variant Server 0.00008.
gnomAD v4.1: 1 of 1,613,864 alleles (0.000062%); highest among the groups gnomAD compares: African/African-American, 0.0013%; no homozygotes.

Submission:

Labcorp Genetics (formerly Invitae), Labcorp
Classification: Uncertain significance. Last evaluated: 2024-10-15. Review status: criteria provided, single submitter. Criteria: Invitae Variant Classification Sherloc (09022015). Collection method: clinical testing. Allele origin: germline.
Comment: This sequence change replaces cysteine, which is neutral and slightly polar, with arginine, which is basic and polar, at codon 1914 of the RP1 protein (p.Cys1914Arg). This variant is present in population databases (rs367852198, gnomAD 0.007%). This missense change has been observed in individual(s) with clinical features of autosomal recessive retinitis pigmentosa (internal data). ClinVar contains an entry for this variant (Variation ID: 956252). An algorithm developed to predict the effect of missense changes on protein structure and function (PolyPhen-2) suggests that this variant is likely to be disruptive. In summary, the available evidence is currently insufficient to determine the role of this variant in disease. Therefore, it has been classified as a Variant of Uncertain Significance.